The following is an entry in ClinVar:

NM_012471.3(TRPC5):c.330C>T (p.Gly110=)

Gene: TRPC5 (transient receptor potential cation channel subfamily C member 5; minus strand). Cytogenetic location: Xq23.
Variant type: single nucleotide variant.
Coding change: c.330C>T on transcript NM_012471.3 (MANE Select); coding-DNA position 330, C replaced by T.
Protein change: p.Gly110=; no amino-acid change (glycine 110 retained).
Molecular consequence: synonymous variant.
Genome position (GRCh38, 1-based): chrX:111,952,091, G>A on the plus strand (C>T on the coding strand, the complement: TRPC5 is on the minus strand). VCF-style: chrX-111952091-G-A. GRCh37 (hg19) VCF-style: chrX-111195319-G-A.
Identifiers: ClinVar variation 3355726 (VCV003355726.1).

ClinVar aggregate classification (germline): Likely benign (0 of 4 stars; one submission).

Conditions:
TRPC5-related disorder. Also called: TRPC5-related condition.

gnomAD v4.1: 45 of 1,210,245 alleles (0.0037%); highest among the groups gnomAD compares: Middle Eastern, 0.023%; no homozygotes.

Submission:

PreventionGenetics, part of Exact Sciences
Classification: Likely benign for TRPC5-related condition. Last evaluated: 2024-04-09. Review status: no assertion criteria provided. Collection method: clinical testing. Allele origin: germline.
Comment: This variant is classified as likely benign based on ACMG/AMP sequence variant interpretation guidelines (Richards et al. 2015 PMID: 25741868, with internal and published modifications).